The following is an entry in ClinVar:

NM_000222.3(KIT):c.2919CGA[1] (p.Asp975del)

Gene: KIT (KIT proto-oncogene, receptor tyrosine kinase; plus strand). Cytogenetic location: 4q12.
Variant type: Microsatellite.
Coding change: c.2919CGA[1] on transcript NM_000222.3 (MANE Select); one copy of the 3-base unit CGA starting at c.2919; the reference has two copies in a row; one copy, 3 bases deleted.
Protein change: p.Asp975del; deletes aspartic acid 975.
Molecular consequence: inframe deletion.
Genome position (GRCh38, 1-based): chr4:54,738,548-54,738,550, CGA deleted; deleting any 3 consecutive bases within chr4:54,738,544-54,738,550 gives the same sequence; the position shown is the placement nearest the transcript's 3' end. VCF-style (leftmost placement, unchanged base first): chr4-54738543-CACG-C. GRCh37 (hg19) VCF-style: chr4-55604709-CACG-C.
Other names: c.2907CGA[1], p.Asp971del (NM_001093772.2, NM_001385292.1); c.2922CGA[1], p.Asp976del (NM_001385284.1); c.2916CGA[1], p.Asp974del (NM_001385285.1); c.2904CGA[1], p.Asp970del (NM_001385286.1); c.2910CGA[1], p.Asp972del (NM_001385288.1); c.2919CGA[1], p.Asp975del (NM_001385290.1); short protein forms D970del, D974del, D971del, D972del, D975del, D976del.
Identifiers: ClinVar variation 2798778 (VCV002798778.3), dbSNP rs2475590407, ClinGen allele CA2739270100.
Genomic context (GRCh38, chr4:54,738,543, plus strand): 5'-CATTCTGTGCGGATCAATTCTGTCGGCAGCACCGCTTCCTCCTCCCAGCCTCTGCTTGTG[CACG>C]ACGATGTCTGAGCAGAATCAGTGTTTGGGTCACCCCTCCAGGAATGATCTCTTCTTTTGG-3'

ClinVar aggregate classification (germline): Uncertain significance (1 of 4 stars; one submission).

Conditions:
Gastrointestinal stromal tumor. Also called: Gastrointestinal stromal tumor, somatic; Gastrointestinal stroma tumor. Identifiers: Orphanet 44890, MedGen C0238198, MeSH D046152, MONDO:0011719, OMIM 606764, HP:0100723.

Submission:

Labcorp Genetics (formerly Invitae), Labcorp
Classification: Uncertain significance for Gastrointestinal stromal tumor. Last evaluated: 2024-01-27. Review status: criteria provided, single submitter. Criteria: Invitae Variant Classification Sherloc (09022015). Collection method: clinical testing. Allele origin: germline.
Comment: This variant, c.2922_2924del, results in the deletion of 1 amino acid(s) of the KIT protein (p.Asp975del), but otherwise preserves the integrity of the reading frame. This variant is not present in population databases (gnomAD no frequency). This variant has not been reported in the literature in individuals affected with KIT-related conditions. Experimental studies and prediction algorithms are not available or were not evaluated, and the functional significance of this variant is currently unknown. In summary, the available evidence is currently insufficient to determine the role of this variant in disease. Therefore, it has been classified as a Variant of Uncertain Significance.